The following is an entry in ClinVar:

NM_001312673.2(PCYT1A):c.669G>C (p.Arg223Ser)

Gene: PCYT1A (phosphate cytidylyltransferase 1A, choline; minus strand). Cytogenetic location: 3q29.
Variant type: single nucleotide variant.
Coding change: c.669G>C on transcript NM_001312673.2 (MANE Select); coding-DNA position 669, G replaced by C.
Protein change: p.Arg223Ser; replaces arginine 223 with serine.
Molecular consequence: missense variant.
Genome position (GRCh38, 1-based): chr3:196,241,987, C>G on the plus strand (G>C on the coding strand, the complement: PCYT1A is on the minus strand). VCF-style: chr3-196241987-C-G. GRCh37 (hg19) VCF-style: chr3-195968858-C-G.
Other names: c.669G>C, p.Arg223Ser (NM_005017.4); short protein forms R223S.
Identifiers: ClinVar variation 101062 (VCV000101062.4), dbSNP rs540053239, ClinGen allele CA214467.

ClinVar aggregate classification (germline): Pathogenic/Likely pathogenic. Review status: criteria provided, multiple submitters, no conflicts (2 of 4 stars). 3 submissions from 3 submitters: Pathogenic (1); Likely pathogenic (1). 1 of the submissions does not count toward it. Last evaluated 2023-11-21.

Conditions:
Spondylometaphyseal dysplasia-cone-rod dystrophy syndrome. Identifiers: Orphanet 85167, MedGen C1837073, MONDO:0012160, OMIM 608940.

Submissions (3):

3billion
Classification: Likely pathogenic for Spondylometaphyseal dysplasia-cone-rod dystrophy syndrome. Last evaluated: 2023-11-21. Review status: criteria provided, single submitter. Criteria: ACMG Guidelines, 2015. Collection method: clinical testing. Allele origin: germline. Affected: yes.
Comment: The variant is not observed in the gnomAD v2.1.1 dataset. Predicted Consequence/Location: Missense variant In silico tool predictions suggest damaging effect of the variant on gene or gene product [REVEL: 0.69 (>=0.6, sensitivity 0.68 and specificity 0.92); 3Cnet: 0.78 (>=0.6, sensitivity 0.72 and precision 0.9)]. Same nucleotide change resulting in same amino acid change has been previously reported as pathogenic/likely pathogenic with strong evidence (ClinVar ID: VCV000101062 /PMID: 24387990). The variant has been reported to be in trans with a pathogenic variant as either compound heterozygous or homozygous in at least one similarly affected unrelated individual (PMID: 24387990). Therefore, this variant is classified as Likely pathogenic according to the recommendation of ACMG/AMP guideline.

Baylor-Hopkins Center for Mendelian Genomics, Johns Hopkins University School of Medicine
Classification: Pathogenic for Spondylometaphyseal dysplasia-cone-rod dystrophy syndrome. Review status: criteria provided, single submitter. Criteria: Submitter's publication. Collection method: research. Allele origin: germline. Affected: yes. Observed: 1 compound heterozygote.

OMIM
Classification: Pathogenic for SPONDYLOMETAPHYSEAL DYSPLASIA WITH CONE-ROD DYSTROPHY. Last evaluated: 2014-01-02. Review status: no assertion criteria provided. Collection method: literature only. Allele origin: germline. Not counted in ClinVar's aggregate classification.

Literature cited by the submitters: PubMed 24387990 (cited by 3billion and OMIM).